The following is an entry in ClinVar:

NM_033056.4(PCDH15):c.5747A>G (p.Gln1916Arg)

Gene: PCDH15 (protocadherin related 15; minus strand). Cytogenetic location: 10q21.1.
Variant type: single nucleotide variant.
Coding change: c.5747A>G on transcript NM_033056.4 (MANE Plus Clinical); coding-DNA position 5747, A replaced by G.
Protein change: p.Gln1916Arg; replaces glutamine 1916 with arginine.
Molecular consequence: missense variant. On other transcripts: intron variant (8).
Genome position (GRCh38, 1-based): chr10:53,821,979, T>C on the plus strand (A>G on the coding strand, the complement: PCDH15 is on the minus strand). VCF-style: chr10-53821979-T-C. GRCh37 (hg19) VCF-style: chr10-55581739-T-C.
Other names: c.5768A>G, p.Gln1923Arg (NM_001142763.2); c.5753A>G, p.Gln1918Arg (NM_001142764.2); c.5540A>G, p.Gln1847Arg (NM_001142765.2); c.5738A>G, p.Gln1913Arg (NM_001142766.2); c.5627A>G, p.Gln1876Arg (NM_001142767.2); c.5687A>G, p.Gln1896Arg (NM_001142768.2); c.5678A>G, p.Gln1893Arg (NM_001142773.2); c.5681A>G, p.Gln1894Arg (NM_001354404.2); and 7 more; short protein forms Q1847R, Q1876R, Q1893R, Q1894R, Q1896R, Q1913R, Q1916R, Q1918R.
Identifiers: ClinVar variation 2662590 (VCV002662590.1), dbSNP rs756403719, ClinGen allele CA5504969.

ClinVar aggregate classification (germline): Uncertain significance (1 of 4 stars; one submission).

Allele frequency attached by ClinVar (database versions not stated): gnomAD exomes below 0.00001; ExAC 0.00001.
gnomAD v4.1: 3 of 1,613,988 alleles (0.00019%); highest among the groups gnomAD compares: East Asian, 0.0022%; no homozygotes.

Submission:

GeneDx
Classification: Uncertain significance. Last evaluated: 2023-04-10. Review status: criteria provided, single submitter. Criteria: GeneDx Variant Classification Process June 2021. Collection method: clinical testing. Allele origin: germline. Affected: yes.
Comment: Not observed at significant frequency in large population cohorts (gnomAD); In silico analysis supports that this missense variant does not alter protein structure/function; Has not been previously published as pathogenic or benign to our knowledge